The following is an entry in ClinVar:

ClinVar aggregate classification (germline): Uncertain significance (1 of 4 stars; one submission).

Conditions:
Inborn genetic diseases. Identifiers: MedGen C0950123, MeSH D030342.

Allele frequency attached by ClinVar (database versions not stated): ESP Exome Variant Server 0.00008; ExAC 0.00001; TOPMed 0.00002.
gnomAD v4.1: 14 of 1,614,006 alleles (0.00087%); highest among the groups gnomAD compares: African/African-American, 0.0013%; no homozygotes.

Submission:

Ambry Genetics
Classification: Uncertain significance for Inborn genetic diseases. Last evaluated: 2025-10-05. Review status: criteria provided, single submitter. Criteria: Ambry Variant Classification Scheme 2023. Collection method: clinical testing. Allele origin: germline.
Comment: The p.A511T variant (also known as c.1531G>A), located in coding exon 11 of the MIB1 gene, results from a G to A substitution at nucleotide position 1531. The alanine at codon 511 is replaced by threonine, an amino acid with similar properties. This amino acid position is conserved. In addition, this alteration is predicted to be tolerated by in silico analysis. Since supporting evidence is limited at this time, the clinical significance of this alteration remains unclear.

NM_020774.4(MIB1):c.1531G>A (p.Ala511Thr)

Gene: MIB1 (MIB E3 ubiquitin protein ligase 1; plus strand). Cytogenetic location: 18q11.2.
Variant type: single nucleotide variant.
Coding change: c.1531G>A on transcript NM_020774.4 (MANE Select); coding-DNA position 1531, G replaced by A.
Protein change: p.Ala511Thr; replaces alanine 511 with threonine.
Molecular consequence: missense variant.
Genome position (GRCh38, 1-based): chr18:21,815,667, G>A. VCF-style: chr18-21815667-G-A. GRCh37 (hg19) VCF-style: chr18-19395628-G-A.
Other names: short protein forms A511T.
Identifiers: ClinVar variation 2625754 (VCV002625754.3), dbSNP rs374317020, ClinGen allele CA8908315.